The following is an entry in ClinVar:

ClinVar aggregate classification (germline): Uncertain significance (1 of 4 stars; one submission).

Conditions:
Hereditary cancer-predisposing syndrome. Also called: Hereditary Cancer Syndrome; Neoplastic Syndromes, Hereditary; Tumor predisposition; Hereditary neoplastic syndrome. Identifiers: Orphanet 140162, MedGen C0027672, MeSH D009386, MONDO:0015356.

Submission:

Ambry Genetics
Classification: Uncertain significance for Hereditary cancer-predisposing syndrome. Last evaluated: 2026-08-29. Review status: criteria provided, single submitter. Criteria: Ambry Variant Classification Scheme 2023. Collection method: clinical testing. Allele origin: germline.
Comment: The p.A120P variant (also known as c.358G>C), located in coding exon 1 of the ALK gene, results from a G to C substitution at nucleotide position 358. The alanine at codon 120 is replaced by proline, an amino acid with highly similar properties. This amino acid position is conserved. In addition, this alteration is predicted to be tolerated by in silico analysis. Based on the available evidence, the clinical significance of this variant remains unclear.

NM_004304.5(ALK):c.358G>C (p.Ala120Pro)

Gene: ALK (ALK receptor tyrosine kinase; minus strand). Cytogenetic location: 2p23.1.
Variant type: single nucleotide variant.
Coding change: c.358G>C on transcript NM_004304.5 (MANE Select); coding-DNA position 358, G replaced by C.
Protein change: p.Ala120Pro; replaces alanine 120 with proline.
Molecular consequence: missense variant.
Genome position (GRCh38, 1-based): chr2:29,920,302, C>G on the plus strand (G>C on the coding strand, the complement: ALK is on the minus strand). VCF-style: chr2-29920302-C-G. GRCh37 (hg19) VCF-style: chr2-30143168-C-G.
Other names: short protein forms A120P.
Identifiers: ClinVar variation 5035627 (VCV005035627.1).